The following is an entry in ClinVar:

ClinVar aggregate classification (germline): Conflicting classifications of pathogenicity. Review status: criteria provided, conflicting classifications (1 of 4 stars). 4 submissions from 4 submitters: Uncertain significance (1); Likely benign (1). 2 of the submissions do not count toward it. Last evaluated 2024-07-11.

Conditions:
Alpha thalassemia-X-linked intellectual disability syndrome (ATRX). Also called: ALPHA-THALASSEMIA/MENTAL RETARDATION SYNDROME, X-LINKED; ATR, NONDELETION TYPE; ALPHA-THALASSEMIA/IMPAIRED INTELLECTUAL DEVELOPMENT SYNDROME, X-LINKED; X-linked alpha-thalassemia-mental retardation syndrome; ATR-X syndrome; Alpha thalassemia mental retardation syndrome, nondeletion type, X-linked. Identifiers: Orphanet 847, MedGen C1845055, MONDO:0010519, OMIM 301040.
ATRX-related disorder. Also called: ATRX-related condition.

Allele frequency attached by ClinVar (database versions not stated): TOPMed 0.00001; gnomAD exomes 0.00002; ExAC 0.00003; gnomAD 0.00002.
gnomAD v4.1: 18 of 1,206,487 alleles (0.0015%); highest among the groups gnomAD compares: Admixed American, 0.0022%; no homozygotes.

Submissions (4):

Labcorp Genetics (formerly Invitae), Labcorp
Classification: Likely benign for Alpha thalassemia-X-linked intellectual disability syndrome. Last evaluated: 2024-07-11. Review status: criteria provided, single submitter. Criteria: Invitae Variant Classification Sherloc (09022015). Collection method: clinical testing. Allele origin: germline.

Blueprint Genetics
Classification: Uncertain significance. Last evaluated: 2020-02-20. Review status: criteria provided, single submitter. Criteria: ACMG Guidelines, 2015. Collection method: clinical testing. Allele origin: germline.

PreventionGenetics, part of Exact Sciences
Classification: Uncertain significance for ATRX-related condition. Last evaluated: 2024-06-12. Review status: no assertion criteria provided. Collection method: clinical testing. Allele origin: germline. Not counted in ClinVar's aggregate classification.
Comment: The ATRX c.3664G>A variant is predicted to result in the amino acid substitution p.Asp1222Asn. To our knowledge, this variant has not been reported in the literature. This variant is reported in 0.0037% of alleles in individuals of European (Non-Finnish) descent in gnomAD, including one hemizygous individual. At this time, the clinical significance of this variant is uncertain due to the absence of conclusive functional and genetic evidence.

Natera, Inc.
Classification: Uncertain significance for X-linked alpha-thalassemia-mental retardation syndrome. Last evaluated: 2019-10-28. Review status: no assertion criteria provided. Collection method: clinical testing. Allele origin: germline. Not counted in ClinVar's aggregate classification.

NM_000489.6(ATRX):c.3664G>A (p.Asp1222Asn)

Gene: ATRX (ATRX chromatin remodeler; minus strand). Cytogenetic location: Xq21.1.
Variant type: single nucleotide variant.
Coding change: c.3664G>A on transcript NM_000489.6 (MANE Select); coding-DNA position 3664, G replaced by A.
Protein change: p.Asp1222Asn; replaces aspartic acid 1222 with asparagine.
Molecular consequence: missense variant.
Genome position (GRCh38, 1-based): chrX:77,681,592, C>T on the plus strand (G>A on the coding strand, the complement: ATRX is on the minus strand). VCF-style: chrX-77681592-C-T. GRCh37 (hg19) VCF-style: chrX-76937084-C-T.
Other names: c.3550G>A, p.Asp1184Asn (NM_138270.5); short protein forms D1222N, D1184N.
Identifiers: ClinVar variation 533627 (VCV000533627.15), dbSNP rs782520515, ClinGen allele CA10457925.